The following is an entry in ClinVar:

NM_024675.4(PALB2):c.389dup (p.His130fs)

Gene: PALB2 (partner and localizer of BRCA2; minus strand). Cytogenetic location: 16p12.2.
Variant type: Duplication.
Coding change: c.389dup on transcript NM_024675.4 (MANE Select); coding-DNA position 389, one base duplicated (A; older notation c.389dupA).
Protein change: p.His130fs; shifts the reading frame from histidine 130.
Molecular consequence: frameshift variant. On other transcripts: 5 prime UTR variant (8), intron variant (3).
Genome position (GRCh38, 1-based): chr16:23,636,157, T duplicated on the plus strand (A on the coding strand, the reverse complement: PALB2 is on the minus strand). VCF-style (leftmost placement, unchanged base first): chr16-23636156-G-GT. GRCh37 (hg19) VCF-style: chr16-23647477-G-GT.
Other names: c.329dup, p.His110fs (NM_001407296.1); c.389dup, p.His130fs (NM_001407297.1, NM_001407298.1, NM_001407299.1 and 3 more transcripts); c.-497dup (NM_001407304.1, NM_001407305.1, NM_001407306.1 and 5 more transcripts); c.48+4953dup (NM_001407314.1); c.-105+4953dup (NM_001407313.1, NM_001407312.1); c.389dupA (NM_024675.3); short protein forms H110fs, H130fs.
Identifiers: ClinVar variation 4825309 (VCV004825309.1).

ClinVar aggregate classification (germline): Pathogenic (1 of 4 stars; one submission).

Conditions:
Hereditary cancer-predisposing syndrome. Also called: Neoplastic Syndromes, Hereditary; Tumor predisposition; Hereditary Cancer Syndrome; Hereditary neoplastic syndrome. Identifiers: Orphanet 140162, MedGen C0027672, MeSH D009386, MONDO:0015356.

Submission:

Ambry Genetics
Classification: Pathogenic for Hereditary cancer-predisposing syndrome. Last evaluated: 2026-02-16. Review status: criteria provided, single submitter. Criteria: Ambry Variant Classification Scheme 2023. Collection method: clinical testing. Allele origin: germline.
Comment: The c.389dupA pathogenic mutation, located in coding exon 4 of the PALB2 gene, results from a duplication of A at nucleotide position 389, causing a translational frameshift with a predicted alternate stop codon (p.H130Qfs*5). This variant is considered to be rare based on population cohorts in the Genome Aggregation Database (gnomAD). This alteration is expected to result in loss of function by premature protein truncation or nonsense-mediated mRNA decay. As such, this alteration is interpreted as a disease-causing mutation.